The following is an entry in ClinVar:

ClinVar aggregate classification (germline): Uncertain significance (1 of 4 stars; one submission).

Submission:

GeneDx
Classification: Uncertain significance. Last evaluated: 2024-05-24. Review status: criteria provided, single submitter. Criteria: GeneDx Variant Classification Process June 2021. Collection method: clinical testing. Allele origin: germline. Affected: yes.
Comment: Not observed at significant frequency in large population cohorts (gnomAD); In silico analysis supports that this missense variant has a deleterious effect on protein structure/function; Has not been previously published as pathogenic or benign to our knowledge

NM_001273.5(CHD4):c.1111G>C (p.Asp371His)

Gene: CHD4 (chromodomain helicase DNA binding protein 4; minus strand). Cytogenetic location: 12p13.31.
Variant type: single nucleotide variant.
Coding change: c.1111G>C on transcript NM_001273.5 (MANE Select); coding-DNA position 1111, G replaced by C.
Protein change: p.Asp371His; replaces aspartic acid 371 with histidine.
Molecular consequence: missense variant.
Genome position (GRCh38, 1-based): chr12:6,600,348, C>G on the plus strand (G>C on the coding strand, the complement: CHD4 is on the minus strand). VCF-style: chr12-6600348-C-G. GRCh37 (hg19) VCF-style: chr12-6709514-C-G.
Other names: c.1090G>C, p.Asp364His (NM_001297553.2); c.1072G>C, p.Asp358His (NM_001363606.2); short protein forms D358H, D364H, D371H.
Identifiers: ClinVar variation 3381341 (VCV003381341.1).